The following is an entry in ClinVar:

NM_001080467.3(MYO5B):c.4201C>T (p.Arg1401Trp)

Gene: MYO5B (myosin VB; minus strand). Cytogenetic location: 18q21.1.
Variant type: single nucleotide variant.
Coding change: c.4201C>T on transcript NM_001080467.3 (MANE Select); coding-DNA position 4201, C replaced by T.
Protein change: p.Arg1401Trp; replaces arginine 1401 with tryptophan.
Molecular consequence: missense variant.
Genome position (GRCh38, 1-based): chr18:49,853,469, G>A on the plus strand (C>T on the coding strand, the complement: MYO5B is on the minus strand). VCF-style: chr18-49853469-G-A. GRCh37 (hg19) VCF-style: chr18-47379839-G-A.
Other names: short protein forms R1401W.
Identifiers: ClinVar variation 1386998 (VCV001386998.7), dbSNP rs199709301, ClinGen allele CA8960443.

ClinVar aggregate classification (germline): Uncertain significance (1 of 4 stars; one submission).

Allele frequency attached by ClinVar (database versions not stated): gnomAD 0.00002 and 0.00003; TOPMed 0.00003; gnomAD exomes 0.00009; ExAC 0.00012.
gnomAD v4.1: 79 of 1,613,714 alleles (0.0049%); highest among the groups gnomAD compares: Non-Finnish European, 0.0064%; no homozygotes.

Submission:

Labcorp Genetics (formerly Invitae), Labcorp
Classification: Uncertain significance. Last evaluated: 2025-11-10. Review status: criteria provided, single submitter. Criteria: Invitae Variant Classification Sherloc (09022015). Collection method: clinical testing. Allele origin: germline.
Comment: This sequence change replaces arginine, which is basic and polar, with tryptophan, which is neutral and slightly polar, at codon 1401 of the MYO5B protein (p.Arg1401Trp). This variant is present in population databases (rs199709301, gnomAD 0.02%). This variant has not been reported in the literature in individuals affected with MYO5B-related conditions. ClinVar contains an entry for this variant (Variation ID: 1386998). Invitae Evidence Modeling of protein sequence and biophysical properties (such as structural, functional, and spatial information, amino acid conservation, physicochemical variation, residue mobility, and thermodynamic stability) indicates that this missense variant is not expected to disrupt MYO5B protein function with a negative predictive value of 80%. In summary, the available evidence is currently insufficient to determine the role of this variant in disease. Therefore, it has been classified as a Variant of Uncertain Significance.